The following is an entry in ClinVar:

ClinVar aggregate classification (germline): Uncertain significance. Review status: criteria provided, multiple submitters, no conflicts (2 of 4 stars). 2 submissions from 2 submitters: Uncertain significance (2). Last evaluated 2022-09-29.

Allele frequency attached by ClinVar (database versions not stated): ExAC 0.00002.
gnomAD v4.1: 37 of 1,613,988 alleles (0.0023%); highest among the groups gnomAD compares: Non-Finnish European, 0.0028%; no homozygotes.

Submissions (2):

Blueprint Genetics
Classification: Uncertain significance. Last evaluated: 2022-09-29. Review status: criteria provided, single submitter. Criteria: ACMG Guidelines, 2015. Collection method: clinical testing. Allele origin: germline.

Labcorp Genetics (formerly Invitae), Labcorp
Classification: Uncertain significance. Last evaluated: 2022-02-25. Review status: criteria provided, single submitter. Criteria: Invitae Variant Classification Sherloc (09022015). Collection method: clinical testing. Allele origin: germline.
Comment: This sequence change replaces lysine, which is basic and polar, with threonine, which is neutral and polar, at codon 997 of the ERCC6 protein (p.Lys997Thr). This variant is present in population databases (rs766459533, gnomAD 0.003%). This variant has not been reported in the literature in individuals affected with ERCC6-related conditions. Algorithms developed to predict the effect of missense changes on protein structure and function (SIFT, PolyPhen-2, Align-GVGD) all suggest that this variant is likely to be disruptive. In summary, the available evidence is currently insufficient to determine the role of this variant in disease. Therefore, it has been classified as a Variant of Uncertain Significance.

NM_000124.4(ERCC6):c.2990A>C (p.Lys997Thr)

Gene: ERCC6 (ERCC excision repair 6, chromatin remodeling factor; minus strand). Cytogenetic location: 10q11.23.
Variant type: single nucleotide variant.
Coding change: c.2990A>C on transcript NM_000124.4 (MANE Select); coding-DNA position 2990, A replaced by C.
Protein change: p.Lys997Thr; replaces lysine 997 with threonine.
Molecular consequence: missense variant.
Genome position (GRCh38, 1-based): chr10:49,471,055, T>G on the plus strand (A>C on the coding strand, the complement: ERCC6 is on the minus strand). VCF-style: chr10-49471055-T-G. GRCh37 (hg19) VCF-style: chr10-50679101-T-G.
Other names: c.2990A>C, p.Lys997Thr (NM_001346440.2); short protein forms K997T.
Identifiers: ClinVar variation 2189089 (VCV002189089.2), dbSNP rs766459533, ClinGen allele CA5495456.